The following is an entry in ClinVar:

ClinVar aggregate classification (germline): Uncertain significance. Review status: criteria provided, multiple submitters, no conflicts (2 of 4 stars). 2 submissions from 2 submitters: Uncertain significance (2). Last evaluated 2024-10-30.

Conditions:
Familial melanoma. Also called: Hereditary melanoma; Hereditary cutaneous melanoma. Identifiers: Orphanet 618, MedGen C1512419, MONDO:0018961.
Hereditary cancer-predisposing syndrome. Also called: Hereditary neoplastic syndrome; Hereditary Cancer Syndrome; Tumor predisposition; Neoplastic Syndromes, Hereditary. Identifiers: Orphanet 140162, MedGen C0027672, MeSH D009386, MONDO:0015356.

Allele frequency attached by ClinVar (database versions not stated): ExAC 0.00001; gnomAD 0.00001; TOPMed 0.00002.

Submissions (2):

Labcorp Genetics (formerly Invitae), Labcorp
Classification: Uncertain significance for Familial melanoma. Last evaluated: 2024-10-30. Review status: criteria provided, single submitter. Criteria: Invitae Variant Classification Sherloc (09022015). Collection method: clinical testing. Allele origin: germline.
Comment: The CDKN2A gene encodes two different proteins, p16INK4a and p14ARF, which are translated from alternative transcripts with different open reading frames. Both transcripts have been analyzed. We report either the variant with the higher classification or default to the CDKN2A (p16INK4a) variant. This report therefore includes the details for the CDKN2A (p16INK4a) variant. This sequence change replaces valine, which is neutral and non-polar, with leucine, which is neutral and non-polar, at codon 106 of the CDKN2A (p16INK4a) protein (p.Val106Leu). The frequency data for this variant in the population databases is considered unreliable, as metrics indicate poor data quality at this position in the gnomAD database. This variant has not been reported in the literature in individuals affected with CDKN2A (p16INK4a)-related conditions. This variant is also known as c.359G>T (p.Arg120Leu) in the CDKN2A (p14ARF) transcript. ClinVar contains an entry for this variant (Variation ID: 1728421). An algorithm developed to predict the effect of missense changes on protein structure and function (PolyPhen-2) suggests that this variant is likely to be tolerated. In summary, the available evidence is currently insufficient to determine the role of this variant in disease. Therefore, it has been classified as a Variant of Uncertain Significance.

Ambry Genetics
Classification: Uncertain significance for Hereditary cancer-predisposing syndrome. Last evaluated: 2021-06-16. Review status: criteria provided, single submitter. Criteria: Ambry Variant Classification Scheme 2023. Collection method: clinical testing. Allele origin: germline.
Comment: The p.V106L variant (also known as c.316G>T), located in coding exon 2 of the CDKN2A gene, results from a G to T substitution at nucleotide position 316. The valine at codon 106 is replaced by leucine, an amino acid with highly similar properties. This amino acid position is well conserved in available vertebrate species. In addition, this alteration is predicted to be tolerated by in silico analysis. Since supporting evidence is limited at this time, the clinical significance of this alteration remains unclear.

NM_000077.5(CDKN2A):c.316G>T (p.Val106Leu)

Gene: CDKN2A (cyclin dependent kinase inhibitor 2A; minus strand). Cytogenetic location: 9p21.3.
Variant type: single nucleotide variant.
Coding change: c.316G>T on transcript NM_000077.5; coding-DNA position 316, G replaced by T.
Protein change: p.Val106Leu; replaces valine 106 with leucine.
Molecular consequence: missense variant (on NM_000077.6). On other transcripts: 3 prime UTR variant (1).
Genome position (GRCh38, 1-based): chr9:21,971,043, C>A on the plus strand (G>T on the coding strand, the complement: CDKN2A is on the minus strand). VCF-style: chr9-21971043-C-A. GRCh37 (hg19) VCF-style: chr9-21971042-C-A.
Other names: c.316G>T, p.Val106Leu (NM_000077.6, NM_001195132.2); c.163G>T, p.Val55Leu (NM_001363763.2); c.359G>T, p.Arg120Leu (NM_058195.4); c.*239G>T (NM_058197.5); short protein forms V55L, V106L, R120L.
Identifiers: ClinVar variation 1728421 (VCV001728421.7), dbSNP rs775860099, ClinGen allele CA5012183.